The following is an entry in ClinVar:

NM_001384732.1(CPLANE1):c.8374-15G>A

Gene: CPLANE1 (ciliogenesis and planar polarity effector complex subunit 1; minus strand). Cytogenetic location: 5p13.2.
Variant type: single nucleotide variant.
Coding change: c.8374-15G>A on transcript NM_001384732.1 (MANE Select); 15 bases into the intron before coding-DNA position 8374, G replaced by A.
Molecular consequence: intron variant.
Genome position (GRCh38, 1-based): chr5:37,148,283, C>T on the plus strand (G>A on the coding strand, the complement: CPLANE1 is on the minus strand). VCF-style: chr5-37148283-C-T. GRCh37 (hg19) VCF-style: chr5-37148385-C-T.
Other names: c.8212-15G>A (NM_023073.4).
Identifiers: ClinVar variation 261677 (VCV000261677.15), dbSNP rs74881219, ClinGen allele CA3237801.

ClinVar aggregate classification (germline): Benign/Likely benign. Review status: criteria provided, multiple submitters, no conflicts (2 of 4 stars). 4 submissions from 4 submitters: Benign (3); Likely benign (1). Last evaluated 2026-02-02.

Conditions:
Orofaciodigital syndrome type 6 (OFD6). Also called: OROFACIODIGITAL SYNDROME VI; OFDS VI; POLYDACTYLY, CLEFT LIP/PALATE OR LINGUAL LUMP, AND PSYCHOMOTOR RETARDATION; VARADI SYNDROME; VARADI-PAPP SYNDROME; Oral-facial-digital syndrome type 6. Identifiers: Orphanet 2754, MedGen C2745997, MONDO:0010176, OMIM 277170.
Joubert syndrome 17 (JBTS17). Identifiers: Orphanet 475, MedGen C3553264, MONDO:0013824, OMIM 614615.

Allele frequency attached by ClinVar (database versions not stated): ESP Exome Variant Server 0.00031; gnomAD 0.00182 and 0.00111; 1000 Genomes Project 0.01018; TOPMed 0.00175; ExAC 0.00309; gnomAD exomes 0.00313; 1000 Genomes Project 30x 0.00906.
gnomAD v4.1: 3,145 of 1,559,594 alleles (0.2%); highest among the groups gnomAD compares: East Asian, 6.4%; 111 homozygotes.

Submissions (4):

Labcorp Genetics (formerly Invitae), Labcorp
Classification: Benign. Last evaluated: 2026-02-02. Review status: criteria provided, single submitter. Criteria: Invitae Variant Classification Sherloc (09022015). Collection method: clinical testing. Allele origin: germline.

Fulgent Genetics
Classification: Likely benign for Orofaciodigital syndrome type 6; Joubert syndrome 17. Last evaluated: 2021-09-21. Review status: criteria provided, single submitter. Criteria: ACMG Guidelines, 2015. Collection method: clinical testing. Allele origin: unknown.

Illumina Laboratory Services, Illumina
Classification: Benign for Joubert syndrome 17. Last evaluated: 2018-01-12. Review status: criteria provided, single submitter. Criteria: ICSL Variant Classification Criteria 13 December 2019. Collection method: clinical testing. Allele origin: germline.
Comment: This variant was observed in the ICSL laboratory as part of a predisposition screen in an ostensibly healthy population. It had not been previously curated by ICSL or reported in the Human Gene Mutation Database (HGMD: prior to June 1st, 2018), and was therefore a candidate for classification through an automated scoring system. Utilizing variant allele frequency, disease prevalence and penetrance estimates, and inheritance mode, an automated score was calculated to assess if this variant is too frequent to cause the disease. Based on the score and internal cut-off values, a variant classified as benign is not then subjected to further curation. The score for this variant resulted in a classification of benign for this disease.

PreventionGenetics, part of Exact Sciences
Classification: Benign. Review status: criteria provided, single submitter. Criteria: ACMG Guidelines, 2015. Collection method: clinical testing. Allele origin: germline.